The following is an entry in ClinVar:

NM_004519.4(KCNQ3):c.2534T>C (p.Phe845Ser)

Gene: KCNQ3 (potassium voltage-gated channel subfamily Q member 3; minus strand). Cytogenetic location: 8q24.22.
Variant type: single nucleotide variant.
Coding change: c.2534T>C on transcript NM_004519.4 (MANE Select); coding-DNA position 2534, T replaced by C.
Protein change: p.Phe845Ser; replaces phenylalanine 845 with serine.
Molecular consequence: missense variant.
Genome position (GRCh38, 1-based): chr8:132,129,347, A>G on the plus strand (T>C on the coding strand, the complement: KCNQ3 is on the minus strand). VCF-style: chr8-132129347-A-G. GRCh37 (hg19) VCF-style: chr8-133141594-A-G.
Other names: c.2174T>C, p.Phe725Ser (NM_001204824.2); short protein forms F845S, F725S.
Identifiers: ClinVar variation 850290 (VCV000850290.11), dbSNP rs751186425, ClinGen allele CA4880420.

ClinVar aggregate classification (germline): Uncertain significance. Review status: criteria provided, multiple submitters, no conflicts (2 of 4 stars). 2 submissions from 2 submitters: Uncertain significance (2). Last evaluated 2024-04-17.

Conditions:
Benign neonatal seizures. Also called: Benign familial neonatal seizures; Convulsions benign familial neonatal dominant form; Autosomal dominant form of benign neonatal seizures; Benign neonatal familial convulsions; Benign familial neonatal epilepsy. Identifiers: Orphanet 1949, MedGen C0220669, MONDO:0016027.

Allele frequency attached by ClinVar (database versions not stated): TOPMed below 0.00001; gnomAD 0.00001.
gnomAD v4.1: 2 of 1,614,092 alleles (0.00012%); highest among the groups gnomAD compares: South Asian, 0.0011%; no homozygotes.

Submissions (2):

Labcorp Genetics (formerly Invitae), Labcorp
Classification: Uncertain significance for Benign neonatal seizures. Last evaluated: 2024-04-17. Review status: criteria provided, single submitter. Criteria: Invitae Variant Classification Sherloc (09022015). Collection method: clinical testing. Allele origin: germline.
Comment: This sequence change replaces phenylalanine, which is neutral and non-polar, with serine, which is neutral and polar, at codon 845 of the KCNQ3 protein (p.Phe845Ser). This variant is present in population databases (rs751186425, gnomAD 0.0009%). This variant has not been reported in the literature in individuals affected with KCNQ3-related conditions. ClinVar contains an entry for this variant (Variation ID: 850290). Advanced modeling of protein sequence and biophysical properties (such as structural, functional, and spatial information, amino acid conservation, physicochemical variation, residue mobility, and thermodynamic stability) performed at Invitae indicates that this missense variant is not expected to disrupt KCNQ3 protein function with a negative predictive value of 95%. In summary, the available evidence is currently insufficient to determine the role of this variant in disease. Therefore, it has been classified as a Variant of Uncertain Significance.

GeneDx
Classification: Uncertain significance. Last evaluated: 2021-10-25. Review status: criteria provided, single submitter. Criteria: GeneDx Variant Classification Process June 2021. Collection method: clinical testing. Allele origin: germline. Affected: yes.
Comment: Not observed at significant frequency in large population cohorts (Lek et al., 2016); In silico analysis supports that this missense variant does not alter protein structure/function; Has not been previously published as pathogenic or benign to our knowledge